The following is an entry in ClinVar:

NM_003640.5(ELP1):c.2205-1G>C

Gene: ELP1 (elongator acetyltransferase complex subunit 1; minus strand). Cytogenetic location: 9q31.3.
Variant type: single nucleotide variant.
Coding change: c.2205-1G>C on transcript NM_003640.5 (MANE Select); the canonical splice acceptor site of the intron before coding-DNA position 2205, G replaced by C.
Molecular consequence: splice acceptor variant.
Genome position (GRCh38, 1-based): chr9:108,898,750, C>G on the plus strand (G>C on the coding strand, the complement: ELP1 is on the minus strand). VCF-style: chr9-108898750-C-G. GRCh37 (hg19) VCF-style: chr9-111661030-C-G.
Other names: c.1863-1G>C (NM_001318360.2); c.1158-1G>C (NM_001330749.2).
Identifiers: ClinVar variation 552270 (VCV000552270.8), dbSNP rs1554695846, ClinGen allele CA374422293.

ClinVar aggregate classification (germline): Likely pathogenic. Review status: criteria provided, single submitter (1 of 4 stars). 2 submissions from 2 submitters: Likely pathogenic (1). 1 of the submissions does not count toward it. Last evaluated 2021-10-08.

Conditions:
Familial dysautonomia. Also called: FD; HSAN III. Identifiers: Orphanet 1764, MedGen C0013364, MONDO:0009131, OMIM 223900. Disease mechanism: loss of function.

Submissions (2):

Labcorp Genetics (formerly Invitae), Labcorp
Classification: Likely pathogenic. Last evaluated: 2021-10-08. Review status: criteria provided, single submitter. Criteria: Invitae Variant Classification Sherloc (09022015). Collection method: clinical testing. Allele origin: germline.
Comment: In summary, the currently available evidence indicates that the variant is pathogenic, but additional data are needed to prove that conclusively. Therefore, this variant has been classified as Likely Pathogenic. Algorithms developed to predict the effect of sequence changes on RNA splicing suggest that this variant may disrupt the consensus splice site. ClinVar contains an entry for this variant (Variation ID: 552270). This variant has not been reported in the literature in individuals affected with ELP1-related conditions. This variant is not present in population databases (ExAC no frequency). This sequence change affects an acceptor splice site in intron 20 of the ELP1 gene. It is expected to disrupt RNA splicing. Variants that disrupt the donor or acceptor splice site typically lead to a loss of protein function (PMID: 16199547), and loss-of-function variants in ELP1 are known to be pathogenic (PMID: 18303054, 24173031).

Counsyl
Classification: Likely pathogenic for Familial dysautonomia. Last evaluated: 2017-06-01. Review status: no assertion criteria provided. Collection method: clinical testing. Allele origin: unknown. Not counted in ClinVar's aggregate classification.

Literature cited by the submitters: PubMed 16199547 (cited by Labcorp Genetics (formerly Invitae), Labcorp); PubMed 18303054 (cited by Labcorp Genetics (formerly Invitae), Labcorp); PubMed 24173031 (cited by Labcorp Genetics (formerly Invitae), Labcorp).